The following is an entry in ClinVar:

NM_000075.4(CDK4):c.663C>T (p.Asp221=)

Genes: CDK4 (cyclin dependent kinase 4; minus strand), TSPAN31 (tetraspanin 31; plus strand). Cytogenetic location: 12q14.1.
Variant type: single nucleotide variant.
Coding change: c.663C>T on transcript NM_000075.4 (MANE Select); coding-DNA position 663, C replaced by T.
Protein change: p.Asp221=; no amino-acid change (aspartic acid 221 retained).
Molecular consequence: synonymous variant. On other transcripts: 3 prime UTR variant (3).
Genome position (GRCh38, 1-based): chr12:57,749,474, G>A on the plus strand (C>T on the coding strand, the complement: CDK4 is on the minus strand). VCF-style: chr12-57749474-G-A. GRCh37 (hg19) VCF-style: chr12-58143257-G-A.
Other names: c.*2184G>A (NM_001330168.2, NM_001330169.2, NM_005981.5).
Identifiers: ClinVar variation 1118017 (VCV001118017.12), dbSNP rs1205343806, ClinGen allele CA385544015.

ClinVar aggregate classification (germline): Benign/Likely benign. Review status: criteria provided, multiple submitters, no conflicts (2 of 4 stars). 3 submissions from 3 submitters: Benign (1); Likely benign (2). Last evaluated 2026-01-20.

Conditions:
Hereditary cancer-predisposing syndrome. Also called: Neoplastic Syndromes, Hereditary; Hereditary Cancer Syndrome; Hereditary neoplastic syndrome; Tumor predisposition. Identifiers: Orphanet 140162, MedGen C0027672, MeSH D009386, MONDO:0015356.
Familial melanoma. Also called: Hereditary melanoma; Hereditary cutaneous melanoma. Identifiers: Orphanet 618, MedGen C1512419, MONDO:0018961.
Melanoma, cutaneous malignant, susceptibility to, 3. Also called: Cutaneous malignant melanoma 3. Identifiers: Orphanet 618, MedGen C1836892, MONDO:0012183, OMIM 609048.

Allele frequency attached by ClinVar (database versions not stated): gnomAD exomes 0.00001.
gnomAD v4.1: 2 of 1,614,222 alleles (0.00012%); highest among the groups gnomAD compares: Admixed American, 0.0033%; no homozygotes.

Submissions (3):

Labcorp Genetics (formerly Invitae), Labcorp
Classification: Likely benign for Familial melanoma. Last evaluated: 2026-01-20. Review status: criteria provided, single submitter. Criteria: Invitae Variant Classification Sherloc (09022015). Collection method: clinical testing. Allele origin: germline.

Myriad Genetics, Inc.
Classification: Benign for Melanoma, cutaneous malignant, susceptibility to, 3. Last evaluated: 2024-09-26. Review status: criteria provided, single submitter. Criteria: Myriad Autosomal Dominant, Autosomal Recessive and X-Linked Classification Criteria (2023). Collection method: clinical testing. Allele origin: unknown.
Comment: This variant is considered benign. This variant is a silent/synonymous amino acid change and it is not expected to impact splicing.

Ambry Genetics
Classification: Likely benign for Hereditary cancer-predisposing syndrome. Last evaluated: 2023-09-29. Review status: criteria provided, single submitter. Criteria: Ambry Variant Classification Scheme 2023. Collection method: clinical testing. Allele origin: germline.